The following is an entry in ClinVar:

NM_002496.4(NDUFS8):c.53G>T (p.Arg18Leu)

Gene: NDUFS8 (NADH:ubiquinone oxidoreductase core subunit S8; plus strand). Cytogenetic location: 11q13.2.
Variant type: single nucleotide variant.
Coding change: c.53G>T on transcript NM_002496.4 (MANE Select); coding-DNA position 53, G replaced by T.
Protein change: p.Arg18Leu; replaces arginine 18 with leucine.
Molecular consequence: missense variant.
Genome position (GRCh38, 1-based): chr11:68,032,204, G>T. VCF-style: chr11-68032204-G-T. GRCh37 (hg19) VCF-style: chr11-67799671-G-T.
Other names: short protein forms R18L.
Identifiers: ClinVar variation 1032831 (VCV001032831.5), dbSNP rs201017561, ClinGen allele CA381598651.

ClinVar aggregate classification (germline): Uncertain significance. Review status: criteria provided, multiple submitters, no conflicts (2 of 4 stars). 2 submissions from 2 submitters: Uncertain significance (2). Last evaluated 2022-08-21.

Conditions:
Leigh syndrome (NULS). Also called: Subacute necrotizing encephalopathy; Necrotizing encephalopathy infantile subacute of Leigh; Leigh's syndrome; Leigh Disease; LEIGH SYNDROME, NUCLEAR; Leigh's necrotizing encephalopathy. Identifiers: Orphanet 506, MedGen C2931891, MONDO:0009723, OMIM 256000.

Submissions (2):

Labcorp Genetics (formerly Invitae), Labcorp
Classification: Uncertain significance. Last evaluated: 2022-08-21. Review status: criteria provided, single submitter. Criteria: Invitae Variant Classification Sherloc (09022015). Collection method: clinical testing. Allele origin: germline.
Comment: Algorithms developed to predict the effect of missense changes on protein structure and function are either unavailable or do not agree on the potential impact of this missense change (SIFT: "Deleterious"; PolyPhen-2: "Benign"; Align-GVGD: "Class C25"). This variant has not been reported in the literature in individuals affected with NDUFS8-related conditions. ClinVar contains an entry for this variant (Variation ID: 1032831). In summary, the available evidence is currently insufficient to determine the role of this variant in disease. Therefore, it has been classified as a Variant of Uncertain Significance. This sequence change replaces arginine, which is basic and polar, with leucine, which is neutral and non-polar, at codon 18 of the NDUFS8 protein (p.Arg18Leu). This variant is not present in population databases (gnomAD no frequency).

Baylor Genetics
Classification: Uncertain significance for Leigh syndrome. Last evaluated: 2018-08-14. Review status: criteria provided, single submitter. Criteria: ACMG Guidelines, 2015. Collection method: clinical testing. Allele origin: unknown. Affected: yes.
Comment: This variant was determined to be of uncertain significance according to ACMG Guidelines, 2015 [PMID:25741868].